The following is an entry in ClinVar:

ClinVar aggregate classification (germline): Pathogenic (1 of 4 stars; one submission).

Submission:

Labcorp Genetics (formerly Invitae), Labcorp
Classification: Pathogenic. Last evaluated: 2022-06-02. Review status: criteria provided, single submitter. Criteria: Invitae Variant Classification Sherloc (09022015). Collection method: clinical testing. Allele origin: germline.
Comment: For these reasons, this variant has been classified as Pathogenic. This variant has not been reported in the literature in individuals affected with ABCA4-related conditions. This variant is a gross deletion of the genomic region encompassing exon(s) 39-40 of the ABCA4 gene. This deletion is out-of-frame, and is expected to create a premature termination codon and result in an absent or disrupted protein product. Loss-of-function variants in ABCA4 are known to be pathogenic (PMID: 10958761, 24938718, 25312043, 26780318).

Literature cited by the submitters: PubMed 10958761; PubMed 24938718; PubMed 25312043; PubMed 26780318.

NC_000001.10:g.(?_94476336)_(94476961_?)del

Gene: ABCA4 (ATP binding cassette subfamily A member 4; minus strand). Cytogenetic location: 1p22.1.
Variant type: Deletion.
Identifiers: ClinVar variation 2422947 (VCV002422947.4).